The following is an entry in ClinVar:

NM_000156.6(GAMT):c.570+133G>A

Gene: GAMT (guanidinoacetate N-methyltransferase; minus strand). Cytogenetic location: 19p13.3.
Variant type: single nucleotide variant.
Coding change: c.570+133G>A on transcript NM_000156.6 (MANE Select); 133 bases into the intron after coding-DNA position 570, G replaced by A.
Molecular consequence: intron variant. On other transcripts: missense variant (1).
Genome position (GRCh38, 1-based): chr19:1,398,783, C>T on the plus strand (G>A on the coding strand, the complement: GAMT is on the minus strand). VCF-style: chr19-1398783-C-T. GRCh37 (hg19) VCF-style: chr19-1398782-C-T.
Other names: c.703G>A, p.Val235Ile (NM_138924.3); c.703G>A (NM_138924.2); short protein forms V235I.
Identifiers: ClinVar variation 377909 (VCV000377909.4), dbSNP rs114229164, ClinGen allele CA9043590.

ClinVar aggregate classification (germline): Likely benign. Review status: criteria provided, multiple submitters, no conflicts (2 of 4 stars). 3 submissions from 3 submitters: Likely benign (2). 1 of the submissions does not count toward it. Last evaluated 2017-09-01.

Conditions:
GAMT-related disorder. Also called: GAMT-related condition.

Allele frequency attached by ClinVar (database versions not stated): gnomAD 0.00496; TOPMed 0.00526; ExAC 0.00288; ESP Exome Variant Server 0.00551; 1000 Genomes Project 30x 0.00687; 1000 Genomes Project 0.00559.
gnomAD v4.1: 1,339 of 1,551,900 alleles (0.086%); highest among the groups gnomAD compares: African/African-American, 1.7%; 16 homozygotes.

Submissions (3):

GeneDx
Classification: Likely benign. Last evaluated: 2017-09-01. Review status: criteria provided, single submitter. Criteria: GeneDx Variant Classification (06012015). Collection method: clinical testing. Allele origin: germline. Affected: yes.
Comment: This variant is considered likely benign or benign based on one or more of the following criteria: it is a conservative change, it occurs at a poorly conserved position in the protein, it is predicted to be benign by multiple in silico algorithms, and/or has population frequency not consistent with disease.

Breakthrough Genomics
Classification: Likely benign. Review status: criteria provided, single submitter. Criteria: ACMG Guidelines, 2015. Collection method: not provided. Allele origin: germline. Inheritance: Autosomal recessive inheritance. Affected: yes.

PreventionGenetics, part of Exact Sciences
Classification: Benign for GAMT-related condition. Last evaluated: 2021-04-01. Review status: no assertion criteria provided. Collection method: clinical testing. Allele origin: germline. Not counted in ClinVar's aggregate classification.
Comment: This variant is classified as benign based on ACMG/AMP sequence variant interpretation guidelines (Richards et al. 2015 PMID: 25741868, with internal and published modifications).